The following is an entry in ClinVar:

ClinVar aggregate classification (germline): Conflicting classifications of pathogenicity. Review status: criteria provided, conflicting classifications (1 of 4 stars). 3 submissions from 3 submitters: Uncertain significance (1); Likely benign (2). Last evaluated 2025-04-25.

Conditions:
Cardiomyopathy (CMYO). Also called: Cardiomyopathies. Identifiers: Orphanet 167848, MedGen C0878544, MONDO:0004994, HP:0001638. Inheritance: Various modes of inheritance.

Allele frequency attached by ClinVar (database versions not stated): TOPMed below 0.00001; gnomAD exomes 0.00001.
gnomAD v4.1: 14 of 1,614,138 alleles (0.00087%); highest among the groups gnomAD compares: Admixed American, 0.0033%; no homozygotes.

Submissions (3):

Women's Health and Genetics/Laboratory Corporation of America, LabCorp
Classification: Uncertain significance. Last evaluated: 2025-04-25. Review status: criteria provided, single submitter. Criteria: LabCorp Variant Classification Summary - May 2015. Collection method: clinical testing. Allele origin: germline.
Comment: Variant summary: TTN c.8056A>G (p.Ile2686Val) results in a conservative amino acid change in the encoded protein sequence. Five of five in-silico tools predict a benign effect of the variant on protein function. The variant allele was found at a frequency of 4e-06 in 251210 control chromosomes (gnomAD). The available data on variant occurrences in the general population are insufficient to allow any conclusion about variant significance. c.8056A>G has been observed in individuals affected with Dilated Cardiomyopathy or Hypertrophic Cardiomyopathy (Norton_2013, Bagnall_2018, Cadena-Ullauri_2022). These reports do not provide unequivocal conclusions about association of the variant with Dilated Cardiomyopathy. To our knowledge, no experimental evidence demonstrating an impact on protein function has been reported. The following publications have been ascertained in the context of this evaluation (PMID: 30025578, 36426223, 23418287). ClinVar contains an entry for this variant (Variation ID: 2691123). Based on the evidence outlined above, the variant was classified as uncertain significance.

CHEO Genetics Diagnostic Laboratory, Children's Hospital of Eastern Ontario
Classification: Likely benign for Cardiomyopathy. Last evaluated: 2023-06-27. Review status: criteria provided, single submitter. Criteria: ACMG Guidelines, 2015. Collection method: clinical testing. Allele origin: germline.

Blueprint Genetics
Classification: Likely benign. Last evaluated: 2022-05-02. Review status: criteria provided, single submitter. Criteria: ACMG Guidelines, 2015. Collection method: clinical testing. Allele origin: germline.

Literature cited by the submitters: PubMed 30025578 (cited by Women's Health and Genetics/Laboratory Corporation of America, LabCorp); PubMed 23418287 (cited by Women's Health and Genetics/Laboratory Corporation of America, LabCorp); PubMed 36426223 (cited by Women's Health and Genetics/Laboratory Corporation of America, LabCorp).

NM_001267550.2(TTN):c.8056A>G (p.Ile2686Val)

Gene: TTN (titin; minus strand). Cytogenetic location: 2q31.2.
Variant type: single nucleotide variant.
Coding change: c.8056A>G on transcript NM_001267550.2 (MANE Select); coding-DNA position 8056, A replaced by G.
Protein change: p.Ile2686Val; replaces isoleucine 2686 with valine.
Molecular consequence: missense variant.
Genome position (GRCh38, 1-based): chr2:178,771,271, T>C on the plus strand (A>G on the coding strand, the complement: TTN is on the minus strand). VCF-style: chr2-178771271-T-C. GRCh37 (hg19) VCF-style: chr2-179635998-T-C.
Other names: c.8056A>G, p.Ile2686Val (NM_001256850.1, NM_133378.4, NM_133379.5); c.7918A>G, p.Ile2640Val (NM_003319.4, NM_133432.3, NM_133437.4); short protein forms I2640V, I2686V.
Identifiers: ClinVar variation 2691123 (VCV002691123.4), dbSNP rs756935554, ClinGen allele CA61004409.